The following is an entry in ClinVar:

ClinVar aggregate classification (germline): Uncertain significance (1 of 4 stars; one submission).

Submission:

Labcorp Genetics (formerly Invitae), Labcorp
Classification: Uncertain significance. Last evaluated: 2023-06-24. Review status: criteria provided, single submitter. Criteria: Invitae Variant Classification Sherloc (09022015). Collection method: clinical testing. Allele origin: germline.
Comment: In summary, the available evidence is currently insufficient to determine the role of this variant in disease. Therefore, it has been classified as a Variant of Uncertain Significance. Variants that disrupt the consensus splice site are a relatively common cause of aberrant splicing (PMID: 17576681, 9536098). Algorithms developed to predict the effect of sequence changes on RNA splicing suggest that this variant is not likely to affect RNA splicing. This variant has not been reported in the literature in individuals affected with COL9A2-related conditions. This variant is not present in population databases (gnomAD no frequency). This sequence change falls in intron 24 of the COL9A2 gene. It does not directly change the encoded amino acid sequence of the COL9A2 protein. It affects a nucleotide within the consensus splice site.

Literature cited by the submitters: PubMed 17576681; PubMed 9536098.

NM_001852.4(COL9A2):c.1287+6A>G

Gene: COL9A2 (collagen type IX alpha 2 chain; minus strand). Cytogenetic location: 1p34.2.
Variant type: single nucleotide variant.
Coding change: c.1287+6A>G on transcript NM_001852.4 (MANE Select); 6 bases into the intron after coding-DNA position 1287, A replaced by G.
Molecular consequence: intron variant.
Genome position (GRCh38, 1-based): chr1:40,304,314, T>C on the plus strand (A>G on the coding strand, the complement: COL9A2 is on the minus strand). VCF-style: chr1-40304314-T-C. GRCh37 (hg19) VCF-style: chr1-40769986-T-C.
Identifiers: ClinVar variation 2903162 (VCV002903162.3), dbSNP rs1353031230, ClinGen allele CA2739272497.
Genomic context (GRCh38, chr1:40,304,314, plus strand): 5'-CCTGCCGACCCCACTCCCCCTGTTATAGGGCCCCTTTCCCAGGTGTTTCCCAGCCCCATC[T>C]GGCACCTTGTCTCCTTTGACGCCTGGCAAGCCTTGGGGCCCTGGAATTCCGGGGGGGCCC-3'